The following is an entry in ClinVar:

ClinVar aggregate classification (germline): Conflicting classifications of pathogenicity. Review status: criteria provided, conflicting classifications (1 of 4 stars). 6 submissions from 6 submitters: Uncertain significance (4); Likely benign (2). Last evaluated 2026-07-01.

Conditions:
Cardiovascular phenotype. Identifiers: MedGen CN230736.
Familial hypercholesterolemia. Also called: Familial hypercholesterolemias; Familial hypercholesterolaemia. Identifiers: MedGen C0020445, MONDO:0005439.
Familial hypobetalipoproteinemia 1. Also called: APOB-Related Familial Hypobetalipoproteinemia; Hypobetalipoproteinemia, normotriglyceridemic; Acanthocytosis with hypobetalipoproteinemia. Identifiers: MedGen C4551990, MONDO:0014252, OMIM 615558.
Hypercholesterolemia, autosomal dominant, type B (FHCL2). Also called: Familial Hypercholesterolemia Type B; APOLIPOPROTEIN B-100, FAMILIAL DEFECTIVE; APOLIPOPROTEIN B-100, FAMILIAL LIGAND-DEFECTIVE; APOB-Related Familial Hypercholesterolemia, Autosomal Dominant; HYPERCHOLESTEROLEMIA, FAMILIAL, DUE TO LIGAND-DEFECTIVE APOLIPOPROTEIN B; Familial hypercholesterolemia 2. Identifiers: MedGen C1704417, MONDO:0007751, OMIM 144010.

Allele frequency attached by ClinVar (database versions not stated): ExAC 0.00007; gnomAD exomes 0.00007 and 0.00008; ESP Exome Variant Server 0.00008; TOPMed 0.00008; gnomAD 0.00009 and 0.00010.
gnomAD v4.1: 116 of 1,614,060 alleles (0.0072%); highest among the groups gnomAD compares: Admixed American, 0.035%; no homozygotes.

Submissions (6):

Cambridge Genomics Laboratory, East Genomic Laboratory Hub, NHS Genomic Medicine Service
Classification: Uncertain significance for Familial hypercholesterolaemia. Last evaluated: 2026-07-01. Review status: criteria provided, single submitter. Criteria: ACGS Best Practice Guidelines for Variant Classification in Rare Disease 2020. Collection method: clinical testing. Allele origin: germline. Affected: yes.

Women's Health and Genetics/Laboratory Corporation of America, LabCorp
Classification: Uncertain significance. Last evaluated: 2026-01-20. Review status: criteria provided, single submitter. Criteria: LabCorp Variant Classification Summary - May 2015. Collection method: clinical testing. Allele origin: germline.
Comment: Variant summary: APOB c.2123A>G (p.Gln708Arg) results in a conservative amino acid change in the encoded protein sequence. Algorithms developed to predict the effect of missense changes on protein structure and function all suggest that this variant is likely to be tolerated. The variant allele was found at a frequency of 8.4e-05 in 251360 control chromosomes. This frequency is not significantly higher than estimated for disease-causing variants in APOB, allowing no conclusion about variant significance. To our knowledge, no occurrence of c.2123A>G in individuals affected with APOB-related conditions and no experimental evidence demonstrating its impact on protein function have been reported. ClinVar contains an entry for this variant (Variation ID: 630346). Based on the evidence outlined above, the variant was classified as uncertain significance.

Labcorp Genetics (formerly Invitae), Labcorp
Classification: Likely benign for Familial hypobetalipoproteinemia 1; Hypercholesterolemia, autosomal dominant, type B. Last evaluated: 2025-11-12. Review status: criteria provided, single submitter. Criteria: Invitae Variant Classification Sherloc (09022015). Collection method: clinical testing. Allele origin: germline.

GeneDx
Classification: Uncertain significance. Last evaluated: 2025-06-11. Review status: criteria provided, single submitter. Criteria: GeneDx Variant Classification Process June 2021. Collection method: clinical testing. Allele origin: germline. Affected: yes.
Comment: In silico analysis suggests that this missense variant does not alter protein structure/function; Has not been previously published as pathogenic or benign to our knowledge

Fulgent Genetics
Classification: Uncertain significance for Hypercholesterolemia, autosomal dominant, type B; Familial hypobetalipoproteinemia 1. Last evaluated: 2021-08-20. Review status: criteria provided, single submitter. Criteria: ACMG Guidelines, 2015. Collection method: clinical testing. Allele origin: unknown.

Ambry Genetics
Classification: Likely benign for Cardiovascular phenotype. Last evaluated: 2021-07-27. Review status: criteria provided, single submitter. Criteria: Ambry Variant Classification Scheme 2023. Collection method: clinical testing. Allele origin: germline.

NM_000384.3(APOB):c.2123A>G (p.Gln708Arg)

Gene: APOB (apolipoprotein B; minus strand). Cytogenetic location: 2p24.1.
Variant type: single nucleotide variant.
Coding change: c.2123A>G on transcript NM_000384.3 (MANE Select); coding-DNA position 2123, A replaced by G.
Protein change: p.Gln708Arg; replaces glutamine 708 with arginine.
Molecular consequence: missense variant.
Genome position (GRCh38, 1-based): chr2:21,026,909, T>C on the plus strand (A>G on the coding strand, the complement: APOB is on the minus strand). VCF-style: chr2-21026909-T-C. GRCh37 (hg19) VCF-style: chr2-21249781-T-C.
Other names: short protein forms Q708R.
Identifiers: ClinVar variation 630346 (VCV000630346.14), dbSNP rs371190827, ClinGen allele CA055392.